The following is an entry in ClinVar:

NM_000455.5(STK11):c.631C>G (p.Arg211Gly)

Gene: STK11 (serine/threonine kinase 11; plus strand). Cytogenetic location: 19p13.3.
Variant type: single nucleotide variant.
Coding change: c.631C>G on transcript NM_000455.5 (MANE Select); coding-DNA position 631, C replaced by G.
Protein change: p.Arg211Gly; replaces arginine 211 with glycine.
Molecular consequence: missense variant.
Genome position (GRCh38, 1-based): chr19:1,220,614, C>G. VCF-style: chr19-1220614-C-G. GRCh37 (hg19) VCF-style: chr19-1220613-C-G.
Other names: short protein forms R211G.
Identifiers: ClinVar variation 485014 (VCV000485014.19), dbSNP rs185087320, ClinGen allele CA402949529.

ClinVar aggregate classification (germline): Uncertain significance. Review status: criteria provided, multiple submitters, no conflicts (2 of 4 stars). 5 submissions from 5 submitters: Uncertain significance (5). Last evaluated 2025-05-28.

Conditions:
Hereditary cancer-predisposing syndrome. Also called: Tumor predisposition; Hereditary neoplastic syndrome; Neoplastic Syndromes, Hereditary; Hereditary Cancer Syndrome. Identifiers: Orphanet 140162, MedGen C0027672, MeSH D009386, MONDO:0015356.
Peutz-Jeghers syndrome (PJS). Also called: POLYPOSIS, HAMARTOMATOUS INTESTINAL; POLYPS-AND-SPOTS SYNDROME; Peutz-Jeghers polyposis; Periorificial lentiginosis syndrome. Identifiers: Orphanet 2869, MedGen C0031269, MeSH D010580, MONDO:0008280, OMIM 175200.

Submissions (5):

Labcorp Genetics (formerly Invitae), Labcorp
Classification: Uncertain significance for Peutz-Jeghers syndrome. Last evaluated: 2025-05-28. Review status: criteria provided, single submitter. Criteria: Invitae Variant Classification Sherloc (09022015). Collection method: clinical testing. Allele origin: germline.
Comment: This sequence change replaces arginine, which is basic and polar, with glycine, which is neutral and non-polar, at codon 211 of the STK11 protein (p.Arg211Gly). This variant is not present in population databases (gnomAD no frequency). This variant has not been reported in the literature in individuals affected with STK11-related conditions. ClinVar contains an entry for this variant (Variation ID: 485014). Invitae Evidence Modeling of protein sequence and biophysical properties (such as structural, functional, and spatial information, amino acid conservation, physicochemical variation, residue mobility, and thermodynamic stability) indicates that this missense variant is not expected to disrupt STK11 protein function with a negative predictive value of 95%. In summary, the available evidence is currently insufficient to determine the role of this variant in disease. Therefore, it has been classified as a Variant of Uncertain Significance.

Dasa
Classification: Uncertain significance. Last evaluated: 2025-04-14. Review status: criteria provided, single submitter. Criteria: DASA Assertion Criteria. Collection method: clinical testing. Allele origin: germline.
Comment: NM_000455.5(STK11):c.631C>G (p.Arg211Gly) is a missense variant that results in the substitution of arginine with glycine. This variant is absent from population databases. Computational prediction algorithms are consistent with a benign effect. The currently available literature and clinical evidence are not sufficient to establish a definitive association between this variant and the reported condition. Therefore, this variant is classified as a variant of uncertain significance.

Color Diagnostics, LLC DBA Color Health
Classification: Uncertain significance for Hereditary cancer-predisposing syndrome. Last evaluated: 2025-01-13. Review status: criteria provided, single submitter. Criteria: ACMG Guidelines, 2015. Collection method: clinical testing. Allele origin: germline.
Comment: This missense variant replaces arginine with glycine at codon 211 of the STK11 protein. Computational prediction suggests that this variant may not impact protein structure and function. To our knowledge, functional studies have not been reported for this variant. This variant has not been reported in individuals affected with STK11-related disorders in the literature. This variant has not been identified in the general population by the Genome Aggregation Database (gnomAD). The available evidence is insufficient to determine the role of this variant in disease conclusively. Therefore, this variant is classified as a Variant of Uncertain Significance.

Ambry Genetics
Classification: Uncertain significance for Hereditary cancer-predisposing syndrome. Last evaluated: 2023-12-27. Review status: criteria provided, single submitter. Criteria: Ambry Variant Classification Scheme 2023. Collection method: clinical testing. Allele origin: germline.
Comment: The p.R211G variant (also known as c.631C>G), located in coding exon 5 of the STK11 gene, results from a C to G substitution at nucleotide position 631. The arginine at codon 211 is replaced by glycine, an amino acid with dissimilar properties. This amino acid position is highly conserved in available vertebrate species. In addition, this alteration is predicted to be deleterious by in silico analysis. Since supporting evidence is limited at this time, the clinical significance of this alteration remains unclear.

Genome-Nilou Lab
Classification: Uncertain significance for Peutz-Jeghers syndrome. Last evaluated: 2021-07-15. Review status: criteria provided, single submitter. Criteria: ACMG Guidelines, 2015. Collection method: clinical testing. Allele origin: germline. Affected: no.